The following is an entry in ClinVar:

ClinVar aggregate classification (germline): Conflicting classifications of pathogenicity. Review status: criteria provided, conflicting classifications (1 of 4 stars). 3 submissions from 3 submitters: Likely pathogenic (1); Uncertain significance (2). Last evaluated 2025-04-15.

Conditions:
TNNT2-related disorder. Also called: TNNT2-related condition.
Cardiomyopathy (CMYO). Also called: Cardiomyopathies. Identifiers: Orphanet 167848, MedGen C0878544, MONDO:0004994, HP:0001638. Inheritance: Various modes of inheritance.

Submissions (3):

Rady Children's Institute for Genomic Medicine, Rady Children's Hospital San Diego
Classification: Likely pathogenic for TNNT2-related disorders. Last evaluated: 2025-04-15. Review status: criteria provided, single submitter. Criteria: ACMG Guidelines, 2015. Collection method: clinical testing. Allele origin: germline. Affected: yes.
Comment: This variant is also referred to as this is c.552G>C (p.Lys184Asn) in the literature. The c.522G>C (p.Lys174Asn) variant affects a highly conserved amino acid and is predicted by multiple in silico tools to have a deleterious effect on protein function. This variant has been previously reported as a heterozygous change in patients with TNNT2-realted disorders (PMID: 39252126, 29447731, 37477868, 29517769). The c.522G>C (p.Lys174Asn) variant is absent from the latest version of the gnomAD population database and thus is presumed to be rare. Based on parental analysis, this variant likely occurred as a de novo event. Based on the available evidence, c.522G>C (p.Lys174Asn) is classified as Likely Pathogenic.

GeneDx
Classification: Uncertain significance. Last evaluated: 2024-04-10. Review status: criteria provided, single submitter. Criteria: GeneDx Variant Classification Process June 2021. Collection method: clinical testing. Allele origin: germline. Affected: yes.
Comment: Not observed at significant frequency in large population cohorts (gnomAD); In silico analysis supports that this missense variant has a deleterious effect on protein structure/function; This variant is associated with the following publications: (PMID: 29517769)

CHEO Genetics Diagnostic Laboratory, Children's Hospital of Eastern Ontario
Classification: Uncertain significance for Cardiomyopathy. Last evaluated: 2017-09-13. Review status: criteria provided, single submitter. Criteria: ACMG Guidelines, 2015. Collection method: clinical testing. Allele origin: germline. Study: Canadian Open Genetics Repository.

Literature cited by the submitters: PubMed 39252126 (cited by Rady Children's Institute for Genomic Medicine, Rady Children's Hospital San Diego); PubMed 29447731 (cited by Rady Children's Institute for Genomic Medicine, Rady Children's Hospital San Diego); PubMed 37477868 (cited by Rady Children's Institute for Genomic Medicine, Rady Children's Hospital San Diego); PubMed 29517769 (cited by Rady Children's Institute for Genomic Medicine, Rady Children's Hospital San Diego).

NM_001276345.2(TNNT2):c.552G>C (p.Lys184Asn)

Gene: TNNT2 (troponin T2, cardiac type; minus strand). Cytogenetic location: 1q32.1.
Variant type: single nucleotide variant.
Coding change: c.552G>C on transcript NM_001276345.2 (MANE Select); coding-DNA position 552, G replaced by C.
Protein change: p.Lys184Asn; replaces lysine 184 with asparagine.
Molecular consequence: missense variant.
Genome position (GRCh38, 1-based): chr1:201,363,344, C>G on the plus strand (G>C on the coding strand, the complement: TNNT2 is on the minus strand). VCF-style: chr1-201363344-C-G. GRCh37 (hg19) VCF-style: chr1-201332472-C-G.
Other names: c.552G>C, p.Lys184Asn (NM_000364.4); c.522G>C, p.Lys174Asn (NM_001001430.3, NM_001001431.3, NM_001276347.2); c.507G>C, p.Lys169Asn (NM_001001432.3); c.432G>C, p.Lys144Asn (NM_001276346.2); c.522G>C (NM_001276347.1); short protein forms K174N, K184N, K144N, K169N.
Identifiers: ClinVar variation 626366 (VCV000626366.4), dbSNP rs566113559, ClinGen allele CA088248.